The following is an entry in ClinVar:

NM_033004.4(NLRP1):c.2634G>A (p.Thr878=)

Gene: NLRP1 (NLR family pyrin domain containing 1; minus strand). Cytogenetic location: 17p13.2.
Variant type: single nucleotide variant.
Coding change: c.2634G>A on transcript NM_033004.4 (MANE Select); coding-DNA position 2634, G replaced by A.
Protein change: p.Thr878=; no amino-acid change (threonine 878 retained).
Molecular consequence: synonymous variant.
Genome position (GRCh38, 1-based): chr17:5,541,922, C>T on the plus strand (G>A on the coding strand, the complement: NLRP1 is on the minus strand). VCF-style: chr17-5541922-C-T. GRCh37 (hg19) VCF-style: chr17-5445242-C-T.
Other names: c.2634G>A, p.Thr878= (NM_001033053.3, NM_014922.5, NM_033006.4 and 1 more transcripts); c.2634G>A (NM_033004.3).
Identifiers: ClinVar variation 2197459 (VCV002197459.6), dbSNP rs145738340, ClinGen allele CA8327109.

ClinVar aggregate classification (germline): Likely benign. Review status: criteria provided, multiple submitters, no conflicts (2 of 4 stars). 3 submissions from 3 submitters: Likely benign (2). 1 of the submissions does not count toward it. Last evaluated 2023-10-14.

Conditions:
NLRP1-related disorder. Also called: NLRP1-related condition.

Allele frequency attached by ClinVar (database versions not stated): gnomAD 0.00009; TOPMed 0.00012; 1000 Genomes Project 30x 0.00016; 1000 Genomes Project 0.00020.

Submissions (3):

Labcorp Genetics (formerly Invitae), Labcorp
Classification: Likely benign. Last evaluated: 2023-10-14. Review status: criteria provided, single submitter. Criteria: Invitae Variant Classification Sherloc (09022015). Collection method: clinical testing. Allele origin: germline.

Blueprint Genetics
Classification: Likely benign. Last evaluated: 2022-01-28. Review status: criteria provided, single submitter. Criteria: ACMG Guidelines, 2015. Collection method: clinical testing. Allele origin: germline.

PreventionGenetics, part of Exact Sciences
Classification: Likely benign for NLRP1-related condition. Last evaluated: 2024-05-28. Review status: no assertion criteria provided. Collection method: clinical testing. Allele origin: germline. Not counted in ClinVar's aggregate classification.
Comment: This variant is classified as likely benign based on ACMG/AMP sequence variant interpretation guidelines (Richards et al. 2015 PMID: 25741868, with internal and published modifications).